The following is an entry in ClinVar:

NM_000064.4(C3):c.176T>C (p.Val59Ala)

Gene: C3 (complement C3; minus strand). Cytogenetic location: 19p13.3.
Variant type: single nucleotide variant.
Coding change: c.176T>C on transcript NM_000064.4 (MANE Select); coding-DNA position 176, T replaced by C.
Protein change: p.Val59Ala; replaces valine 59 with alanine.
Molecular consequence: missense variant.
Genome position (GRCh38, 1-based): chr19:6,719,302, A>G on the plus strand (T>C on the coding strand, the complement: C3 is on the minus strand). VCF-style: chr19-6719302-A-G. GRCh37 (hg19) VCF-style: chr19-6719313-A-G.
Other names: short protein forms V59A.
Identifiers: ClinVar variation 2896689 (VCV002896689.4), dbSNP rs1568229666, ClinGen allele CA403646092.

ClinVar aggregate classification (germline): Uncertain significance. Review status: criteria provided, multiple submitters, no conflicts (2 of 4 stars). 2 submissions from 2 submitters: Uncertain significance (2). Last evaluated 2026-01-04.

Conditions:
Atypical hemolytic-uremic syndrome with C3 anomaly. Also called: AHUS, SUSCEPTIBILITY TO, 5. Identifiers: Orphanet 2134, MedGen C2752037, MONDO:0013043, OMIM 612925.
Complement component 3 deficiency. Identifiers: Orphanet 280133, MedGen C3151071, MONDO:0013417, OMIM 613779.
Age related macular degeneration 9. Identifiers: MedGen C1969651, MONDO:0012659, OMIM 611378.

Allele frequency attached by ClinVar (database versions not stated): gnomAD exomes below 0.00001; TOPMed below 0.00001.
gnomAD v4.1: 5 of 1,614,014 alleles (0.00031%); highest among the groups gnomAD compares: Non-Finnish European, 0.00042%; no homozygotes.

Submissions (2):

Labcorp Genetics (formerly Invitae), Labcorp
Classification: Uncertain significance. Last evaluated: 2026-01-04. Review status: criteria provided, single submitter. Criteria: Invitae Variant Classification Sherloc (09022015). Collection method: clinical testing. Allele origin: germline.
Comment: This sequence change replaces valine, which is neutral and non-polar, with alanine, which is neutral and non-polar, at codon 59 of the C3 protein (p.Val59Ala). This variant is present in population databases (no rsID available, gnomAD 0.0009%). This variant has not been reported in the literature in individuals affected with C3-related conditions. ClinVar contains an entry for this variant (Variation ID: 2896689). Invitae Evidence Modeling of protein sequence and biophysical properties (such as structural, functional, and spatial information, amino acid conservation, physicochemical variation, residue mobility, and thermodynamic stability) indicates that this missense variant is not expected to disrupt C3 protein function with a negative predictive value of 80%. In summary, the available evidence is currently insufficient to determine the role of this variant in disease. Therefore, it has been classified as a Variant of Uncertain Significance.

Fulgent Genetics
Classification: Uncertain significance for Age related macular degeneration 9; Atypical hemolytic-uremic syndrome with C3 anomaly; Complement component 3 deficiency. Last evaluated: 2024-03-31. Review status: criteria provided, single submitter. Criteria: ACMG Guidelines, 2015. Collection method: clinical testing. Allele origin: germline.